The following is an entry in ClinVar:

ClinVar aggregate classification (germline): Uncertain significance. Review status: criteria provided, multiple submitters, no conflicts (2 of 4 stars). 2 submissions from 2 submitters: Uncertain significance (2). Last evaluated 2025-06-14.

Conditions:
Cardiovascular phenotype. Identifiers: MedGen CN230736.
Hereditary cancer-predisposing syndrome. Also called: Neoplastic Syndromes, Hereditary; Tumor predisposition; Hereditary Cancer Syndrome; Hereditary neoplastic syndrome. Identifiers: Orphanet 140162, MedGen C0027672, MeSH D009386, MONDO:0015356.

Allele frequency attached by ClinVar (database versions not stated): gnomAD exomes below 0.00001; gnomAD 0.00001; TOPMed 0.00001; ExAC 0.00003.
gnomAD v4.1: 6 of 1,611,894 alleles (0.00037%); highest among the groups gnomAD compares: East Asian, 0.0067%; no homozygotes.

Submissions (2):

Labcorp Genetics (formerly Invitae), Labcorp
Classification: Uncertain significance. Last evaluated: 2025-06-14. Review status: criteria provided, single submitter. Criteria: Invitae Variant Classification Sherloc (09022015). Collection method: clinical testing. Allele origin: germline.
Comment: This sequence change replaces aspartic acid, which is acidic and polar, with glycine, which is neutral and non-polar, at codon 549 of the LZTR1 protein (p.Asp549Gly). This variant is present in population databases (rs762315626, gnomAD 0.02%). This variant has not been reported in the literature in individuals affected with LZTR1-related conditions. ClinVar contains an entry for this variant (Variation ID: 1777151). Invitae Evidence Modeling of protein sequence and biophysical properties (such as structural, functional, and spatial information, amino acid conservation, physicochemical variation, residue mobility, and thermodynamic stability) indicates that this missense variant is not expected to disrupt LZTR1 protein function with a negative predictive value of 80%. In summary, the available evidence is currently insufficient to determine the role of this variant in disease. Therefore, it has been classified as a Variant of Uncertain Significance.

Ambry Genetics
Classification: Uncertain significance for Cardiovascular phenotype; Hereditary cancer-predisposing syndrome. Last evaluated: 2024-02-06. Review status: criteria provided, single submitter. Criteria: Ambry Variant Classification Scheme 2023. Collection method: clinical testing. Allele origin: germline.
Comment: The p.D549G variant (also known as c.1646A>G), located in coding exon 15 of the LZTR1 gene, results from an A to G substitution at nucleotide position 1646. The aspartic acid at codon 549 is replaced by glycine, an amino acid with similar properties. This amino acid position is highly conserved in available vertebrate species. In addition, this alteration is predicted to be deleterious by in silico analysis. Since supporting evidence is limited at this time, the clinical significance of this alteration remains unclear.

NM_006767.4(LZTR1):c.1646A>G (p.Asp549Gly)

Gene: LZTR1 (leucine zipper like post translational regulator 1; plus strand). Cytogenetic location: 22q11.21.
Variant type: single nucleotide variant.
Coding change: c.1646A>G on transcript NM_006767.4 (MANE Select); coding-DNA position 1646, A replaced by G.
Protein change: p.Asp549Gly; replaces aspartic acid 549 with glycine.
Molecular consequence: missense variant.
Genome position (GRCh38, 1-based): chr22:20,994,588, A>G. VCF-style: chr22-20994588-A-G. GRCh37 (hg19) VCF-style: chr22-21348877-A-G.
Other names: short protein forms D549G.
Identifiers: ClinVar variation 1777151 (VCV001777151.5), dbSNP rs762315626, ClinGen allele CA10119015.